The following is an entry in ClinVar:

ClinVar aggregate classification (germline): Uncertain significance. Review status: criteria provided, single submitter (1 of 4 stars). 2 submissions from 2 submitters: Uncertain significance (1). 1 of the submissions does not count toward it. Last evaluated 2023-03-06.

Conditions:
SHH-related disorder. Also called: SHH-related condition; SHH-related disorders.

Submissions (2):

GeneDx
Classification: Uncertain significance. Last evaluated: 2023-03-06. Review status: criteria provided, single submitter. Criteria: GeneDx Variant Classification Process June 2021. Collection method: clinical testing. Allele origin: germline. Affected: yes.
Comment: Not observed at significant frequency in large population cohorts (gnomAD); In silico analysis supports that this missense variant does not alter protein structure/function; Has not been previously published as pathogenic or benign to our knowledge

PreventionGenetics, part of Exact Sciences
Classification: Uncertain significance for SHH-related condition. Last evaluated: 2024-08-28. Review status: no assertion criteria provided. Collection method: clinical testing. Allele origin: germline. Not counted in ClinVar's aggregate classification.
Comment: The SHH c.680C>T variant is predicted to result in the amino acid substitution p.Ala227Val. To our knowledge, this variant has not been reported in the literature or in a large population database, indicating this variant is rare. At this time, the clinical significance of this variant is uncertain due to the absence of conclusive functional and genetic evidence.

NM_000193.4(SHH):c.680C>T (p.Ala227Val)

Gene: SHH (sonic hedgehog signaling molecule; minus strand). Cytogenetic location: 7q36.3.
Variant type: single nucleotide variant.
Coding change: c.680C>T on transcript NM_000193.4 (MANE Select); coding-DNA position 680, C replaced by T.
Protein change: p.Ala227Val; replaces alanine 227 with valine.
Molecular consequence: missense variant. On other transcripts: intron variant (1).
Genome position (GRCh38, 1-based): chr7:155,803,609, G>A on the plus strand (C>T on the coding strand, the complement: SHH is on the minus strand). VCF-style: chr7-155803609-G-A. GRCh37 (hg19) VCF-style: chr7-155596303-G-A.
Other names: c.301+2687C>T (NM_001310462.2); c.680C>T (NM_000193.3); short protein forms A227V.
Identifiers: ClinVar variation 2579471 (VCV002579471.2), dbSNP rs2535894459, ClinGen allele CA370146459.